The following is an entry in ClinVar:

ClinVar aggregate classification (germline): Uncertain significance. Review status: criteria provided, multiple submitters, no conflicts (2 of 4 stars). 2 submissions from 2 submitters: Uncertain significance (2). Last evaluated 2025-11-26.

Conditions:
Inborn genetic diseases. Identifiers: MedGen C0950123, MeSH D030342.

Submissions (2):

Labcorp Genetics (formerly Invitae), Labcorp
Classification: Uncertain significance. Last evaluated: 2025-11-26. Review status: criteria provided, single submitter. Criteria: Invitae Variant Classification Sherloc (09022015). Collection method: clinical testing. Allele origin: germline.
Comment: This sequence change replaces aspartic acid, which is acidic and polar, with histidine, which is basic and polar, at codon 1514 of the LAMB1 protein (p.Asp1514His). This variant is not present in population databases (gnomAD no frequency). This variant has not been reported in the literature in individuals affected with LAMB1-related conditions. ClinVar contains an entry for this variant (Variation ID: 4046070). An algorithm developed to predict the effect of missense changes on protein structure and function (PolyPhen-2) suggests that this variant is likely to be disruptive. In summary, the available evidence is currently insufficient to determine the role of this variant in disease. Therefore, it has been classified as a Variant of Uncertain Significance.

Ambry Genetics
Classification: Uncertain significance for Inborn genetic diseases. Last evaluated: 2025-05-06. Review status: criteria provided, single submitter. Criteria: Ambry Variant Classification Scheme 2023. Collection method: clinical testing. Allele origin: germline.

NM_002291.3(LAMB1):c.4540G>C (p.Asp1514His)

Gene: LAMB1 (laminin subunit beta 1; minus strand). Cytogenetic location: 7q31.1.
Variant type: single nucleotide variant.
Coding change: c.4540G>C on transcript NM_002291.3 (MANE Select); coding-DNA position 4540, G replaced by C.
Protein change: p.Asp1514His; replaces aspartic acid 1514 with histidine.
Molecular consequence: missense variant.
Genome position (GRCh38, 1-based): chr7:107,929,617, C>G on the plus strand (G>C on the coding strand, the complement: LAMB1 is on the minus strand). VCF-style: chr7-107929617-C-G. GRCh37 (hg19) VCF-style: chr7-107570062-C-G.
Other names: short protein forms D1514H.
Identifiers: ClinVar variation 4046070 (VCV004046070.2).
Genomic context (GRCh38, chr7:107,929,617, plus strand): 5'-GCATCTCCATTTTCAATACTTCATTAGCAACTGCTTCAATGCTGTCCAAATCAGCACTAT[C>G]CTCTGTGAAAAGCAAAGATGTCCCCAAAAAGAGGTGAAAAGAATAGATGGTTCATTCATT-3'
Protein context (NP_002282.2, residues 1504-1524): IKQIRNFLTQ[Asp1514His]SADLDSIEAV